The following is an entry in ClinVar:

ClinVar aggregate classification (germline): Uncertain significance (1 of 4 stars; one submission).

Conditions:
Familial cold autoinflammatory syndrome 2 (FCAS2). Identifiers: Orphanet 247868, MedGen C2673198, MONDO:0012724, OMIM 611762.

gnomAD v4.1: 1 of 1,613,762 alleles (0.000062%); no homozygotes.

Submission:

Labcorp Genetics (formerly Invitae), Labcorp
Classification: Uncertain significance for Familial cold autoinflammatory syndrome 2. Last evaluated: 2020-12-04. Review status: criteria provided, single submitter. Criteria: Invitae Variant Classification Sherloc (09022015). Collection method: clinical testing. Allele origin: germline.
Comment: This sequence change replaces glycine with serine at codon 101 of the NLRP12 protein (p.Gly101Ser). The glycine residue is weakly conserved and there is a small physicochemical difference between glycine and serine. This variant is not present in population databases (ExAC no frequency). This variant has not been reported in the literature in individuals with NLRP12-related conditions. Algorithms developed to predict the effect of missense changes on protein structure and function (SIFT, PolyPhen-2, Align-GVGD) all suggest that this variant is likely to be tolerated, but these predictions have not been confirmed by published functional studies and their clinical significance is uncertain. Algorithms developed to predict the effect of sequence changes on RNA splicing suggest that this variant may create or strengthen a splice site, but this prediction has not been confirmed by published transcriptional studies. In summary, the available evidence is currently insufficient to determine the role of this variant in disease. Therefore, it has been classified as a Variant of Uncertain Significance.

NM_144687.4(NLRP12):c.301G>A (p.Gly101Ser)

Gene: NLRP12 (NLR family pyrin domain containing 12; minus strand). Cytogenetic location: 19q13.42.
Variant type: single nucleotide variant.
Coding change: c.301G>A on transcript NM_144687.4 (MANE Select); coding-DNA position 301, G replaced by A.
Protein change: p.Gly101Ser; replaces glycine 101 with serine.
Molecular consequence: missense variant.
Genome position (GRCh38, 1-based): chr19:53,814,977, C>T on the plus strand (G>A on the coding strand, the complement: NLRP12 is on the minus strand). VCF-style: chr19-53814977-C-T. GRCh37 (hg19) VCF-style: chr19-54318231-C-T.
Other names: c.301G>A, p.Gly101Ser (NM_001277126.2, NM_001277129.1); short protein forms G101S.
Identifiers: ClinVar variation 970585 (VCV000970585.9), dbSNP rs2092134890, ClinGen allele CA407417804.